The following is an entry in ClinVar:

ClinVar aggregate classification (germline): Benign/Likely benign. Review status: criteria provided, multiple submitters, no conflicts (2 of 4 stars). 3 submissions from 3 submitters: Benign (2); Likely benign (1). Last evaluated 2025-10-01.

Allele frequency attached by ClinVar (database versions not stated): gnomAD exomes 0.00023 and 0.00062; ExAC 0.00073; gnomAD 0.00214 and 0.00233; 1000 Genomes Project 0.00220; ESP Exome Variant Server 0.00254; TOPMed 0.00258.
gnomAD v4.1: 689 of 1,610,306 alleles (0.043%); highest among the groups gnomAD compares: African/African-American, 0.69%; 2 homozygotes.

Submissions (4):

Labcorp Genetics (formerly Invitae), Labcorp
Classification: Benign. Last evaluated: 2025-10-01. Review status: criteria provided, single submitter. Criteria: Invitae Variant Classification Sherloc (09022015). Collection method: clinical testing. Allele origin: germline.

Mayo Clinic Laboratories, Mayo Clinic
Classification: Benign. Last evaluated: 2025-04-11. Review status: criteria provided, single submitter. Criteria: ACMG Guidelines, 2015. Collection method: clinical testing. Allele origin: germline. Observed: 2 variant alleles.
Comment: BA1

CeGaT Center for Human Genetics Tuebingen
Classification: Likely benign. Last evaluated: 2022-12-01. Review status: criteria provided, single submitter. Criteria: CeGaT Center For Human Genetics Tuebingen Variant Classification Criteria Version 2. Collection method: clinical testing. Allele origin: germline. Affected: yes. Observed: 1 variant allele.
Comment: LRP6: BS1

Dr. Peter K. Rogan Lab, Western University
No classification provided (evidence only). Condition: Thymoma. Review status: no classification provided. Collection method: in vitro. Allele origin: not applicable. Functional consequence: retained intron. Not counted in ClinVar's aggregate classification.

NM_002336.3(LRP6):c.3206+6T>C

Gene: LRP6 (LDL receptor related protein 6; minus strand). Cytogenetic location: 12p13.2.
Variant type: single nucleotide variant.
Coding change: c.3206+6T>C on transcript NM_002336.3 (MANE Select); 6 bases into the intron after coding-DNA position 3206, T replaced by C.
Molecular consequence: intron variant.
Genome position (GRCh38, 1-based): chr12:12,148,936, A>G on the plus strand (T>C on the coding strand, the complement: LRP6 is on the minus strand). VCF-style: chr12-12148936-A-G. GRCh37 (hg19) VCF-style: chr12-12301870-A-G.
Other names: p.?.
Identifiers: ClinVar variation 720452 (VCV000720452.34), dbSNP rs200429881, ClinGen allele CA6455313.